The following is an entry in ClinVar:

ClinVar aggregate classification (germline): Uncertain significance (1 of 4 stars; one submission).

Conditions:
Retinitis pigmentosa 33 (RP33). Identifiers: Orphanet 791, MedGen C1835895, MONDO:0012477, OMIM 610359.

Submission:

3billion
Classification: Uncertain significance for Retinitis pigmentosa 33. Last evaluated: 2025-11-27. Review status: criteria provided, single submitter. Criteria: ACMG Guidelines, 2015. Collection method: clinical testing. Allele origin: germline. Affected: yes.
Comment: The variant is not observed in the gnomAD v4.1.0 dataset. Predicted Consequence/Location: Missense variant. Missense changes are a common disease-causing mechanism. In silico tool predictions suggest damaging effect of the variant on gene or gene product [REVEL: 0.84 (>=0.6, sensitivity 0.68 and specificity 0.92)]. Therefore, this variant is classified as VUS according to the recommendation of ACMG/AMP guideline.

NM_014014.5(SNRNP200):c.2158C>G (p.Gln720Glu)

Gene: SNRNP200 (small nuclear ribonucleoprotein U5 subunit 200; minus strand). Cytogenetic location: 2q11.2.
Variant type: single nucleotide variant.
Coding change: c.2158C>G on transcript NM_014014.5 (MANE Select); coding-DNA position 2158, C replaced by G.
Protein change: p.Gln720Glu; replaces glutamine 720 with glutamic acid.
Molecular consequence: missense variant.
Genome position (GRCh38, 1-based): chr2:96,292,974, G>C on the plus strand (C>G on the coding strand, the complement: SNRNP200 is on the minus strand). VCF-style: chr2-96292974-G-C. GRCh37 (hg19) VCF-style: chr2-96958712-G-C.
Other names: short protein forms Q720E.
Identifiers: ClinVar variation 4855292 (VCV004855292.1).
Genomic context (GRCh38, chr2:96,292,974, plus strand): 5'-GGTGAATCAAACATTCGAAAGAATGGGGTTCAAGAGTAACCATAAACCACGGGCAAACCT[G>C]ATTTTTTCCAGCATGTTCCATGATTTTTTCATAGACGATTTCATTCATGATCTGGAAACG-3'
Protein context (NP_054733.2, residues 710-730): EKIMEHAGKN[Gln720Glu]VLVFVHSRKE